The following is an entry in ClinVar:

NM_020987.5(ANK3):c.6571C>G (p.Pro2191Ala)

Gene: ANK3 (ankyrin 3; minus strand). Cytogenetic location: 10q21.2.
Variant type: single nucleotide variant.
Coding change: c.6571C>G on transcript NM_020987.5 (MANE Select); coding-DNA position 6571, C replaced by G.
Protein change: p.Pro2191Ala; replaces proline 2191 with alanine.
Molecular consequence: missense variant. On other transcripts: intron variant (4).
Genome position (GRCh38, 1-based): chr10:60,074,310, G>C on the plus strand (C>G on the coding strand, the complement: ANK3 is on the minus strand). VCF-style: chr10-60074310-G-C. GRCh37 (hg19) VCF-style: chr10-61834068-G-C.
Other names: c.4387+6227C>G (NM_001204403.2); c.4408+6227C>G (NM_001204404.2); c.4405+6227C>G (NM_001320874.2); c.1807+6227C>G (NM_001149.4); short protein forms P2191A.
Identifiers: ClinVar variation 1408246 (VCV001408246.7), dbSNP rs140516425, ClinGen allele CA5511857.

ClinVar aggregate classification (germline): Uncertain significance. Review status: criteria provided, multiple submitters, no conflicts (2 of 4 stars). 2 submissions from 2 submitters: Uncertain significance (2). Last evaluated 2025-12-26.

Conditions:
Intellectual developmental disorder, autosomal recessive 37. Also called: Intellectual disability-hypotonia-spasticity-sleep disorder syndrome. Identifiers: Orphanet 356996, MedGen C3809672, MONDO:0014210, OMIM 615493.

Allele frequency attached by ClinVar (database versions not stated): ESP Exome Variant Server 0.00015; ExAC 0.00008; gnomAD 0.00004.
gnomAD v4.1: 161 of 1,613,888 alleles (0.01%); highest among the groups gnomAD compares: Admixed American, 0.025%; no homozygotes.

Submissions (2):

Labcorp Genetics (formerly Invitae), Labcorp
Classification: Uncertain significance. Last evaluated: 2025-12-26. Review status: criteria provided, single submitter. Criteria: Invitae Variant Classification Sherloc (09022015). Collection method: clinical testing. Allele origin: germline.
Comment: This sequence change replaces proline, which is neutral and non-polar, with alanine, which is neutral and non-polar, at codon 2191 of the ANK3 protein (p.Pro2191Ala). This variant is present in population databases (rs140516425, gnomAD 0.04%). This variant has not been reported in the literature in individuals affected with ANK3-related conditions. ClinVar contains an entry for this variant (Variation ID: 1408246). Invitae Evidence Modeling of protein sequence and biophysical properties (such as structural, functional, and spatial information, amino acid conservation, physicochemical variation, residue mobility, and thermodynamic stability) indicates that this missense variant is not expected to disrupt ANK3 protein function with a negative predictive value of 80%. In summary, the available evidence is currently insufficient to determine the role of this variant in disease. Therefore, it has been classified as a Variant of Uncertain Significance.

Daryl Scott Lab, Baylor College of Medicine
Classification: Uncertain significance for Intellectual developmental disorder, autosomal recessive 37. Last evaluated: 2024-04-01. Review status: criteria provided, single submitter. Criteria: ACMG Guidelines, 2015. Collection method: clinical testing. Allele origin: maternal. Observed: 1 compound heterozygote.
Comment: PP3